The following is an entry in ClinVar:

NM_005687.5(FARSB):c.456G>A (p.Arg152=)

Gene: FARSB (phenylalanyl-tRNA synthetase subunit beta; minus strand). Cytogenetic location: 2q36.1.
Variant type: single nucleotide variant.
Coding change: c.456G>A on transcript NM_005687.5 (MANE Select); coding-DNA position 456, G replaced by A.
Protein change: p.Arg152=; no amino-acid change (arginine 152 retained).
Molecular consequence: synonymous variant. On other transcripts: non-coding transcript variant (1).
Genome position (GRCh38, 1-based): chr2:222,634,541, C>T on the plus strand (G>A on the coding strand, the complement: FARSB is on the minus strand). VCF-style: chr2-222634541-C-T. GRCh37 (hg19) VCF-style: chr2-223499260-C-T.
Identifiers: ClinVar variation 1535728 (VCV001535728.31), dbSNP rs550235317, ClinGen allele CA2136650.

ClinVar aggregate classification (germline): Likely benign. Review status: criteria provided, multiple submitters, no conflicts (2 of 4 stars). 2 submissions from 2 submitters: Likely benign (2). Last evaluated 2025-11-17.

Allele frequency attached by ClinVar (database versions not stated): TOPMed 0.00004; gnomAD 0.00013; gnomAD exomes 0.00029 and 0.00056; ExAC 0.00062; 1000 Genomes Project 30x 0.00094; 1000 Genomes Project 0.00100.
gnomAD v4.1: 428 of 1,609,342 alleles (0.027%); highest among the groups gnomAD compares: South Asian, 0.44%; 2 homozygotes.

Submissions (2):

Labcorp Genetics (formerly Invitae), Labcorp
Classification: Likely benign. Last evaluated: 2025-11-17. Review status: criteria provided, single submitter. Criteria: Invitae Variant Classification Sherloc (09022015). Collection method: clinical testing. Allele origin: germline.

CeGaT Center for Human Genetics Tuebingen
Classification: Likely benign. Last evaluated: 2022-11-01. Review status: criteria provided, single submitter. Criteria: CeGaT Center For Human Genetics Tuebingen Variant Classification Criteria Version 2. Collection method: clinical testing. Allele origin: germline. Affected: yes. Observed: 1 variant allele.
Comment: FARSB: BP4, BS2